The following is an entry in ClinVar:

ClinVar aggregate classification (germline): Pathogenic. Review status: reviewed by expert panel (3 of 4 stars). 4 submissions from 4 submitters: Pathogenic (1). 3 of the submissions do not count toward it. Last evaluated 2026-05-27.

Conditions:
Hereditary thrombocytopenia and hematologic cancer predisposition syndrome. Identifiers: Orphanet 71290, MedGen CN281654, MONDO:0011071.
Hereditary thrombocytopenia and hematological cancer predisposition syndrome associated with RUNX1. Also called: Familial Platelet Disorder with Propensity to Acute Myelogenous Leukemia; PLATELET DISORDER, ASPIRIN-LIKE; RUNX1 Familial Platelet Disorder with Associated Myeloid Malignancies; Familial thrombocytopenia with propensity to acute myelogenous leukemia. Identifiers: Orphanet 71290, MedGen C1832388, MeSH C563324, MONDO:0100083, OMIM 601399.

Submissions (4):

ClinGen Myeloid Malignancy Variant Curation Expert Panel
Classification: Pathogenic for Hereditary thrombocytopenia and hematologic cancer predisposition syndrome. Last evaluated: 2026-05-27. Review status: reviewed by expert panel. Criteria: ClinGen MyeloMalig ACMG Specifications V3.1. Collection method: curation. Allele origin: germline. Inheritance: Autosomal dominant inheritance.
Comment: NM_001754.5(RUNX1):c.328A>G (p.Lys110Glu) is a missense variant which affects one of the hotspot residues (K110) within the RHD (PM1_Strong). Transactivation assays demonstrate altered transactivation (<20% of wt) and data from secondary assays demonstrate altered DNA binding, CBFβ binding, and sub-cellular localization (PS3; PMID: 23848403; 17290219; 11830488). This variant is completely absent from all population databases with at least 20x coverage for RUNX1 (PM2_Supporting) and has a REVEL score of >0.75 (0.95) (PP3). This variant has been reported in one proband meeting at least one of the RUNX1-phenotypic criteria (PS4_supporting; PMID: 11830488) and was found to co-segregate with disease in multiple affected family members, with seven meioses observed across one family (PP1_Strong; PMID: 11830488). In summary, this variant meets criteria to be classified as pathogenic. ACMG/AMP criteria applied, as specified by the Myeloid Malignancy Variant Curation Expert Panel for RUNX1: PM1_Strong, PS3, PM2_Supporting, PP3, PS4_Supporting, PP1_Strong.

Labcorp Genetics (formerly Invitae), Labcorp
Classification: Pathogenic for Hereditary thrombocytopenia and hematological cancer predisposition syndrome associated with RUNX1. Last evaluated: 2023-11-13. Review status: criteria provided, single submitter. Criteria: Invitae Variant Classification Sherloc (09022015). Collection method: clinical testing. Allele origin: germline. Not counted in ClinVar's aggregate classification.
Comment: This sequence change replaces lysine, which is basic and polar, with glutamic acid, which is acidic and polar, at codon 110 of the RUNX1 protein (p.Lys110Glu). This variant is not present in population databases (gnomAD no frequency). This missense change has been observed in individual(s) with leukemia (PMID: 1958483, 11830488). It has also been observed to segregate with disease in related individuals. ClinVar contains an entry for this variant (Variation ID: 14465). Advanced modeling of protein sequence and biophysical properties (such as structural, functional, and spatial information, amino acid conservation, physicochemical variation, residue mobility, and thermodynamic stability) performed at Invitae indicates that this missense variant is expected to disrupt RUNX1 protein function with a positive predictive value of 80%. Experimental studies have shown that this missense change affects RUNX1 function (PMID: 11830488). This variant disrupts the p.Lys110 amino acid residue in RUNX1. Other variant(s) that disrupt this residue have been determined to be pathogenic (PMID: 10068652, 19448675, 21725049, 29055018). This suggests that this residue is clinically significant, and that variants that disrupt this residue are likely to be disease-causing. For these reasons, this variant has been classified as Pathogenic.

PreventionGenetics, part of Exact Sciences
Classification: Pathogenic. Last evaluated: 2014-01-03. Review status: criteria provided, single submitter. Criteria: ACMG Guidelines, 2015. Collection method: clinical testing. Allele origin: germline. Not counted in ClinVar's aggregate classification.

OMIM
Classification: Pathogenic for PLATELET DISORDER, FAMILIAL, WITH ASSOCIATED MYELOID MALIGNANCY. Last evaluated: 2002-02-15. Review status: no assertion criteria provided. Collection method: literature only. Allele origin: germline. Not counted in ClinVar's aggregate classification.

Literature cited by the submitters: PubMed 17290219 (cited by ClinGen Myeloid Malignancy Variant Curation Expert Panel); PubMed 11830488 (cited by 3 submitters); PubMed 23848403 (cited by ClinGen Myeloid Malignancy Variant Curation Expert Panel); PubMed 1958483 (cited by Labcorp Genetics (formerly Invitae), Labcorp); PubMed 10068652 (cited by Labcorp Genetics (formerly Invitae), Labcorp); PubMed 19448675 (cited by Labcorp Genetics (formerly Invitae), Labcorp); PubMed 21725049 (cited by Labcorp Genetics (formerly Invitae), Labcorp); PubMed 29055018 (cited by Labcorp Genetics (formerly Invitae), Labcorp).

NM_001754.5(RUNX1):c.328A>G (p.Lys110Glu)

Gene: RUNX1 (RUNX family transcription factor 1; minus strand). Cytogenetic location: 21q22.12.
Variant type: single nucleotide variant.
Coding change: c.328A>G on transcript NM_001754.5 (MANE Select); coding-DNA position 328, A replaced by G.
Protein change: p.Lys110Glu; replaces lysine 110 with glutamic acid.
Molecular consequence: missense variant.
Genome position (GRCh38, 1-based): chr21:34,886,866, T>C on the plus strand (A>G on the coding strand, the complement: RUNX1 is on the minus strand). VCF-style: chr21-34886866-T-C. GRCh37 (hg19) VCF-style: chr21-36259163-T-C.
Other names: NM_001754.4(RUNX1):c.328A>G; NM_001754.5(RUNX1):c.328A>G; c.247A>G, p.Lys83Glu (NM_001001890.3, NM_001122607.2); short protein forms K83E, K110E.
Identifiers: ClinVar variation 14465 (VCV000014465.8), dbSNP rs121912498, ClinGen allele CA248613.